The following is an entry in ClinVar:

NM_000704.3(ATP4A):c.1978C>T (p.Arg660Cys)

Gene: ATP4A (ATPase H+/K+ transporting subunit alpha; minus strand). Cytogenetic location: 19q13.12.
Variant type: single nucleotide variant.
Coding change: c.1978C>T on transcript NM_000704.3 (MANE Select); coding-DNA position 1978, C replaced by T.
Protein change: p.Arg660Cys; replaces arginine 660 with cysteine.
Molecular consequence: missense variant.
Genome position (GRCh38, 1-based): chr19:35,555,704, G>A on the plus strand (C>T on the coding strand, the complement: ATP4A is on the minus strand). VCF-style: chr19-35555704-G-A. GRCh37 (hg19) VCF-style: chr19-36046606-G-A.
Other names: short protein forms R660C.
Identifiers: ClinVar variation 2974845 (VCV002974845.3), dbSNP rs757758386, ClinGen allele CA9380932.

ClinVar aggregate classification (germline): Uncertain significance (1 of 4 stars; one submission).

Allele frequency attached by ClinVar (database versions not stated): gnomAD exomes 0.00001; TOPMed 0.00003; ExAC 0.00002; gnomAD 0.00004.
gnomAD v4.1: 25 of 1,609,234 alleles (0.0016%); highest among the groups gnomAD compares: Middle Eastern, 0.033%; no homozygotes.

Submission:

Labcorp Genetics (formerly Invitae), Labcorp
Classification: Uncertain significance. Last evaluated: 2025-03-31. Review status: criteria provided, single submitter. Criteria: Invitae Variant Classification Sherloc (09022015). Collection method: clinical testing. Allele origin: germline.
Comment: This sequence change replaces arginine, which is basic and polar, with cysteine, which is neutral and slightly polar, at codon 660 of the ATP4A protein (p.Arg660Cys). This variant is present in population databases (rs757758386, gnomAD 0.01%). This variant has not been reported in the literature in individuals affected with ATP4A-related conditions. ClinVar contains an entry for this variant (Variation ID: 2974845). An algorithm developed to predict the effect of missense changes on protein structure and function (PolyPhen-2) suggests that this variant is likely to be disruptive. In summary, the available evidence is currently insufficient to determine the role of this variant in disease. Therefore, it has been classified as a Variant of Uncertain Significance.